The following is an entry in ClinVar:

ClinVar aggregate classification (germline): Uncertain significance (1 of 4 stars; one submission).

Allele frequency attached by ClinVar (database versions not stated): TOPMed below 0.00001; gnomAD 0.00001.
gnomAD v4.1: 1 of 1,613,074 alleles (0.000062%); highest among the groups gnomAD compares: Non-Finnish European, 0.000085%; no homozygotes.

Submission:

GeneDx
Classification: Uncertain significance. Last evaluated: 2022-04-26. Review status: criteria provided, single submitter. Criteria: GeneDx Variant Classification Process June 2021. Collection method: clinical testing. Allele origin: germline. Affected: yes.
Comment: Has not been previously published as pathogenic or benign to our knowledge; Not observed at significant frequency in large population cohorts (gnomAD); In silico analysis supports a deleterious effect on splicing

NM_001851.6(COL9A1):c.1143+4A>G

Gene: COL9A1 (collagen type IX alpha 1 chain; minus strand). Cytogenetic location: 6q13.
Variant type: single nucleotide variant.
Coding change: c.1143+4A>G on transcript NM_001851.6 (MANE Select); 4 bases into the intron after coding-DNA position 1143, A replaced by G.
Molecular consequence: intron variant.
Genome position (GRCh38, 1-based): chr6:70,271,651, T>C on the plus strand (A>G on the coding strand, the complement: COL9A1 is on the minus strand). VCF-style: chr6-70271651-T-C. GRCh37 (hg19) VCF-style: chr6-70981354-T-C.
Other names: c.414+4A>G (NM_001377290.1, NM_078485.4, NM_001377289.1).
Identifiers: ClinVar variation 1683894 (VCV001683894.2), dbSNP rs1224302280, ClinGen allele CA827638095.